The following is an entry in ClinVar:

ClinVar aggregate classification (germline): Benign/Likely benign. Review status: criteria provided, multiple submitters, no conflicts (2 of 4 stars). 4 submissions from 4 submitters: Benign (1); Likely benign (3). Last evaluated 2025-04-14.

Conditions:
Familial cancer of breast. Also called: Hereditary breast cancer; hereditary breast carcinoma; BREAST CANCER, FAMILIAL. Identifiers: Orphanet 227535, MedGen C0346153, MONDO:0016419, OMIM 114480. Disease mechanism: loss of function.
Ataxia-telangiectasia syndrome (AT). Also called: Ataxia telangiectasia (A-T); ATAXIA-TELANGIECTASIA, COMPLEMENTATION GROUP A; ATAXIA-TELANGIECTASIA, FRESNO VARIANT; Ataxia-telangiectasia; Ataxia-telangiectasia, complementation group E; LOUIS-BAR SYNDROME. Identifiers: Orphanet 100, MedGen C0004135, MONDO:0008840, OMIM 208900.
Hereditary cancer-predisposing syndrome. Also called: Neoplastic Syndromes, Hereditary; Tumor predisposition; Hereditary Cancer Syndrome; Hereditary neoplastic syndrome. Identifiers: Orphanet 140162, MedGen C0027672, MeSH D009386, MONDO:0015356.

Allele frequency attached by ClinVar (database versions not stated): gnomAD exomes below 0.00001.
gnomAD v4.1: 1 of 1,614,186 alleles (0.000062%); highest among the groups gnomAD compares: East Asian, 0.0022%; no homozygotes.

Submissions (4):

Labcorp Genetics (formerly Invitae), Labcorp
Classification: Likely benign for Ataxia-telangiectasia syndrome. Last evaluated: 2025-04-14. Review status: criteria provided, single submitter. Criteria: Invitae Variant Classification Sherloc (09022015). Collection method: clinical testing. Allele origin: germline.

Myriad Genetics, Inc.
Classification: Benign for Familial cancer of breast. Last evaluated: 2024-06-24. Review status: criteria provided, single submitter. Criteria: Myriad Autosomal Dominant, Autosomal Recessive and X-Linked Classification Criteria (2023). Collection method: clinical testing. Allele origin: unknown.
Comment: This variant is considered benign. This variant is a silent/synonymous amino acid change and it is not expected to impact splicing.

Color Diagnostics, LLC DBA Color Health
Classification: Likely benign for Hereditary cancer-predisposing syndrome. Last evaluated: 2023-10-16. Review status: criteria provided, single submitter. Criteria: ACMG Guidelines, 2015. Collection method: clinical testing. Allele origin: germline.

Ambry Genetics
Classification: Likely benign for Hereditary cancer-predisposing syndrome. Last evaluated: 2021-02-09. Review status: criteria provided, single submitter. Criteria: Ambry Variant Classification Scheme 2023. Collection method: clinical testing. Allele origin: germline.

NM_000051.4(ATM):c.9051G>A (p.Leu3017=)

Genes: ATM (ATM serine/threonine kinase; plus strand), C11orf65 (chromosome 11 open reading frame 65; minus strand). Cytogenetic location: 11q22.3.
Variant type: single nucleotide variant.
Coding change: c.9051G>A on transcript NM_000051.4 (MANE Select); coding-DNA position 9051, G replaced by A.
Protein change: p.Leu3017=; no amino-acid change (leucine 3017 retained).
Molecular consequence: synonymous variant. On other transcripts: intron variant (2).
Genome position (GRCh38, 1-based): chr11:108,365,388, G>A. VCF-style: chr11-108365388-G-A. GRCh37 (hg19) VCF-style: chr11-108236115-G-A.
Other names: c.9051G>A, p.Leu3017= (NM_001351834.2); c.640+20532C>T (NM_001330368.2); c.694+20532C>T (NM_001351110.2).
Identifiers: ClinVar variation 1115579 (VCV001115579.13), dbSNP rs1467393169, ClinGen allele CA476745195.